The following is an entry in ClinVar:

NM_000441.2(SLC26A4):c.923T>C (p.Ile308Thr)

Gene: SLC26A4 (solute carrier family 26 member 4; plus strand). Cytogenetic location: 7q22.3.
Variant type: single nucleotide variant.
Coding change: c.923T>C on transcript NM_000441.2 (MANE Select); coding-DNA position 923, T replaced by C.
Protein change: p.Ile308Thr; replaces isoleucine 308 with threonine.
Molecular consequence: missense variant.
Genome position (GRCh38, 1-based): chr7:107,683,459, T>C. VCF-style: chr7-107683459-T-C. GRCh37 (hg19) VCF-style: chr7-107323904-T-C.
Other names: short protein forms I308T.
Identifiers: ClinVar variation 3371400 (VCV003371400.1).

ClinVar aggregate classification (germline): Uncertain significance (1 of 4 stars; one submission).

Submission:

GeneDx
Classification: Uncertain significance. Last evaluated: 2024-03-25. Review status: criteria provided, single submitter. Criteria: GeneDx Variant Classification Process June 2021. Collection method: clinical testing. Allele origin: germline. Affected: yes.
Comment: Not observed at significant frequency in large population cohorts (gnomAD); In silico analysis supports that this missense variant has a deleterious effect on protein structure/function; Has not been previously published as pathogenic or benign to our knowledge